The following is an entry in ClinVar:

ClinVar aggregate classification (germline): Uncertain significance (1 of 4 stars; one submission).

Conditions:
Schimke immuno-osseous dysplasia (SIOD). Also called: Schimke Immunoosseous Dysplasia. Identifiers: Orphanet 1830, MedGen C0877024, MONDO:0009458, OMIM 242900.

Allele frequency attached by ClinVar (database versions not stated): gnomAD exomes below 0.00001 and 0.00001; TOPMed 0.00001.

Submission:

Labcorp Genetics (formerly Invitae), Labcorp
Classification: Uncertain significance for Schimke immuno-osseous dysplasia. Last evaluated: 2022-07-19. Review status: criteria provided, single submitter. Criteria: Invitae Variant Classification Sherloc (09022015). Collection method: clinical testing. Allele origin: germline.
Comment: This variant, c.1642_1644del, results in the deletion of 1 amino acid(s) of the SMARCAL1 protein (p.Ile548del), but otherwise preserves the integrity of the reading frame. This variant is present in population databases (no rsID available, gnomAD 0.006%). This variant has been observed in individual(s) with Schimke immuno-osseous dysplasia (PMID: 26499378). ClinVar contains an entry for this variant (Variation ID: 1060173). Algorithms developed to predict the effect of sequence changes on RNA splicing suggest that this variant may disrupt the consensus splice site. In summary, the available evidence is currently insufficient to determine the role of this variant in disease. Therefore, it has been classified as a Variant of Uncertain Significance.

Literature cited by the submitters: PubMed 26499378.

NM_014140.4(SMARCAL1):c.1642_1644del (p.Ile548del)

Gene: SMARCAL1 (SNF2 related chromatin remodeling annealing helicase 1; plus strand). Cytogenetic location: 2q35.
Variant type: Deletion.
Coding change: c.1642_1644del on transcript NM_014140.4 (MANE Select); coding-DNA positions 1642 to 1644, 3 bases deleted (ATT; older notation c.1642_1644delATT).
Protein change: p.Ile548del; deletes isoleucine 548.
Molecular consequence: inframe deletion.
Genome position (GRCh38, 1-based): chr2:216,435,494-216,435,496, ATT deleted. VCF-style (leftmost placement, unchanged base first): chr2-216435493-CATT-C. GRCh37 (hg19) VCF-style: chr2-217300216-CATT-C.
Other names: c.1642_1644del, p.Ile548del (NM_001127207.2); short protein forms I548del.
Identifiers: ClinVar variation 1060173 (VCV001060173.2), dbSNP rs1475737999, ClinGen allele CA539838517.